The following continues an entry in ClinVar:

NM_000070.3(CAPN3):c.1435A>G (p.Ser479Gly)

Gene: CAPN3. ClinVar aggregate classification (germline): Pathogenic. Pathogenic (1).

Submissions 10 to 15 of 15:

Women's Health and Genetics/Laboratory Corporation of America, LabCorp
Classification: Pathogenic for Autosomal recessive limb-girdle muscular dystrophy. Last evaluated: 2022-06-11. Review status: criteria provided, single submitter. Criteria: LabCorp Variant Classification Summary - May 2015. Collection method: clinical testing. Allele origin: germline. Not counted in ClinVar's aggregate classification.
Comment: Variant summary: CAPN3 c.1435A>G (p.Ser479Gly) results in a non-conservative amino acid change located in the Peptidase C2, calpain, large subunit, domain III (IPR022682) of the encoded protein sequence. Five of five in-silico tools predict a damaging effect of the variant on protein function. The variant allele was found at a frequency of 5.6e-05 in 251424 control chromosomes. This frequency is not significantly higher than estimated for a pathogenic variant in CAPN3 causing Limb-Girdle Muscular Dystrophy, Autosomal Recessive (5.6e-05 vs 0.0032), allowing no conclusion about variant significance. c.1435A>G has been reported in the literature as homozygous and compound heterozygous genotypes in individuals affected with Limb-Girdle Muscular Dystrophy, Autosomal Recessive, specifically Limb-girdle muscular dystrophy type 2A (LGMD2A) (example, Richard_1999, Saenz_2005, Groen_2007, Blazquez_2008, de Morree_2010, Izumi_2015, Toral-Ojeda_2016). These data indicate that the variant is very likely to be associated with disease. To our knowledge, no experimental evidence demonstrating an impact on protein function has been reported. Seven clinical diagnostic laboratories have submitted clinical-significance assessments for this variant to ClinVar after 2014 without evidence for independent evaluation. All laboratories classified the variant as pathogenic/likely pathogenic. Based on the evidence outlined above, the variant was classified as pathogenic.

Athena Diagnostics
Classification: Pathogenic. Last evaluated: 2021-04-20. Review status: criteria provided, single submitter. Criteria: Athena Diagnostics criteria. Collection method: clinical testing. Allele origin: unknown. Not counted in ClinVar's aggregate classification.
Comment: The frequency of this variant in the general population is consistent with pathogenicity. This variant has been identified in multiple unrelated individuals with clinical features associated with this gene. In multiple individuals, this variant has been seen with a single recessive pathogenic variant in the same gene, suggesting this variant may also be pathogenic. Computational tools predict that this variant is damaging.

Eurofins Ntd Llc (ga)
Classification: Pathogenic. Last evaluated: 2017-06-15. Review status: criteria provided, single submitter. Criteria: EGL Classification Definitions. Collection method: clinical testing. Allele origin: germline. Observed: 7 variant alleles, 7 heterozygotes. Not counted in ClinVar's aggregate classification.

Clinical Genetics Service, Universitary Hospital 12 de Octubre
Classification: Pathogenic for Autosomal recessive limb-girdle muscular dystrophy type 2A. Review status: criteria provided, single submitter. Criteria: ACMG Guidelines, 2015. Collection method: clinical testing. Allele origin: germline. Affected: yes. Not counted in ClinVar's aggregate classification.

PreventionGenetics, part of Exact Sciences
Classification: Pathogenic for CAPN3-related condition. Last evaluated: 2024-08-06. Review status: no assertion criteria provided. Collection method: clinical testing. Allele origin: germline. Not counted in ClinVar's aggregate classification.
Comment: The CAPN3 c.1435A>G variant is predicted to result in the amino acid substitution p.Ser479Gly. This variant has been widely reported in individuals with autosomal recessive muscular dystrophy (see for example, Richard et al. 1999. PubMed ID: 10330340; González-Mera et al. 2020. PubMed ID: 32896923; Groen et al. 2007. PubMed ID: 18055493). This variant is reported in 0.010% of alleles in individuals of European (Non-Finnish) descent in gnomAD. This variant is interpreted as pathogenic.

Counsyl
Classification: Likely pathogenic for Autosomal recessive limb-girdle muscular dystrophy type 2A. Last evaluated: 2017-05-12. Review status: no assertion criteria provided. Collection method: clinical testing. Allele origin: unknown. Not counted in ClinVar's aggregate classification.

Literature cited by the submitters: PubMed 10330340 (cited by 5 submitters); PubMed 11166169 (cited by Illumina Laboratory Services, Illumina and Athena Diagnostics); PubMed 11371436 (cited by Illumina Laboratory Services, Illumina); PubMed 18055493 (cited by 6 submitters); PubMed 18563459 (cited by 6 submitters); PubMed 27066573 (cited by 5 submitters); PubMed 32896923 (cited by Illumina Laboratory Services, Illumina and Athena Diagnostics); PubMed 27055500 (cited by 4 submitters); PubMed 15689361 (cited by 4 submitters); PubMed 11297944 (cited by Illumina Laboratory Services, Illumina and Athena Diagnostics); PubMed 30564623 (cited by Illumina Laboratory Services, Illumina); PubMed 40237364 (cited by Natera, Inc.); PubMed 39678382 (cited by Natera, Inc.); PubMed 20694146 (cited by 3 submitters).